The following is an entry in ClinVar:

ClinVar aggregate classification (germline): Uncertain significance. Review status: reviewed by expert panel (3 of 4 stars). 2 submissions from 2 submitters: Uncertain significance (1). 1 of the submissions does not count toward it. Last evaluated 2024-03-08.

Conditions:
Phenylketonuria (PKU). Also called: OLIGOPHRENIA PHENYLPYRUVICA; Phenylketonurias; FOLLING DISEASE; Phenylketonuria (PKU). Identifiers: Orphanet 716, MedGen C0031485, MONDO:0009861, OMIM 261600. Disease mechanism: loss of function.

gnomAD v4.1: 1 of 1,614,072 alleles (0.000062%); no homozygotes.

Submissions (2):

ClinGen PAH Variant Curation Expert Panel
Classification: Uncertain significance for Phenylketonuria. Last evaluated: 2024-03-08. Review status: reviewed by expert panel. Criteria: ClinGen PAH ACMG Specifications v1. Collection method: curation. Allele origin: germline. Inheritance: Autosomal recessive inheritance.
Comment: The c.587C>A (p.Ser196Tyr) variant in PAH has been reported in one individual with mild hyperphenylalanemia, without exclusion of BH4 deficiency (PMID: 23792259). In this individual, c.587C>A occurred de novo on the paternal allele, with confirmation of paternity. c.842+3G>C was present on the maternal allele (classified as likely pathogenic by PAH VCEP, Variation ID: 102871). In-vitro studies show 21% enzyme activity (PMID: 27620137). This variant is present below the 0.0002 allele frequency threshold for PAH in population databases. Multiple lines of computational evidence yield conflicting predictions regarding the effect of this variant (REVEL=0.542). In summary, this variant meets criteria to be classified as uncertain significance for PAH. PAH-specific ACMG/AMP criteria applied: PM3, PP4, PM2_supporting, PS3_supporting.

Counsyl
Classification: Uncertain significance for Phenylketonuria. Last evaluated: 2018-02-28. Review status: no assertion criteria provided. Collection method: clinical testing. Allele origin: unknown. Not counted in ClinVar's aggregate classification.

Literature cited by the submitters: PubMed 23792259 (cited by Counsyl).

NM_000277.3(PAH):c.587C>A (p.Ser196Tyr)

Gene: PAH (phenylalanine hydroxylase; minus strand). Cytogenetic location: 12q23.2.
Variant type: single nucleotide variant.
Coding change: c.587C>A on transcript NM_000277.3 (MANE Select); coding-DNA position 587, C replaced by A.
Protein change: p.Ser196Tyr; replaces serine 196 with tyrosine.
Molecular consequence: missense variant.
Genome position (GRCh38, 1-based): chr12:102,855,255, G>T on the plus strand (C>A on the coding strand, the complement: PAH is on the minus strand). VCF-style: chr12-102855255-G-T. GRCh37 (hg19) VCF-style: chr12-103249033-G-T.
Other names: NM_000277.3(PAH):c.587C>A; p.Ser196Tyr; c.587C>A, p.Ser196Tyr (NM_001354304.2); short protein forms S196Y.
Identifiers: ClinVar variation 556878 (VCV000556878.3), dbSNP rs865899394, ClinGen allele CA16020823.
Genomic context (GRCh38, chr12:102,855,255, plus strand): 5'-TACTTTTCAAGAAGTGGAAAAATGTGATTGTACTCATAGCAAGCATGGGTTTTATACAAG[G>T]ACTTCAGAGTCTTGAACACTGTGCCCCATGTTTTCTTTTCTTCCTCCATGTATTCCACTC-3'
Protein context (NP_000268.1, residues 186-206): TWGTVFKTLK[Ser196Tyr]LYKTHACYEY